The following is an entry in ClinVar:

NM_005591.4(MRE11):c.82A>G (p.Lys28Glu)

Gene: MRE11 (MRE11 double strand break repair nuclease; minus strand). Cytogenetic location: 11q21.
Variant type: single nucleotide variant.
Coding change: c.82A>G on transcript NM_005591.4 (MANE Select); coding-DNA position 82, A replaced by G.
Protein change: p.Lys28Glu; replaces lysine 28 with glutamic acid.
Molecular consequence: missense variant. On other transcripts: 5 prime UTR variant (3).
Genome position (GRCh38, 1-based): chr11:94,490,904, T>C on the plus strand (A>G on the coding strand, the complement: MRE11 is on the minus strand). VCF-style: chr11-94490904-T-C. GRCh37 (hg19) VCF-style: chr11-94224070-T-C.
Other names: c.82A>G, p.Lys28Glu (NM_001330347.2, NM_001440460.1, NM_001440461.1 and 21 more transcripts); c.7A>G, p.Lys3Glu (NM_001440471.1, NM_001440472.1, NM_001440479.1); c.-383A>G (NM_001440485.1, NM_001440486.1, NM_001440487.1); short protein forms K28E, K3E.
Identifiers: ClinVar variation 5024685 (VCV005024685.1).
Genomic context (GRCh38, chr11:94,490,904, plus strand): 5'-GGGCAAGTCTTAAAATTTCATCGAGTGTTACAAACGTATCATTTCCTCTGACTGCATCTT[T>C]CTCCATAAATCCAAGATGAATATCTGTTGCAACTAATATTTTAAATGTGTTTTCATCATC-3'
Protein context (NP_005582.1, residues 18-38): ATDIHLGFME[Lys28Glu]DAVRGNDTFV

ClinVar aggregate classification (germline): Uncertain significance (1 of 4 stars; one submission).

Conditions:
Hereditary cancer-predisposing syndrome. Also called: Neoplastic Syndromes, Hereditary; Tumor predisposition; Hereditary neoplastic syndrome; Hereditary Cancer Syndrome. Identifiers: Orphanet 140162, MedGen C0027672, MeSH D009386, MONDO:0015356.

Submission:

Ambry Genetics
Classification: Uncertain significance for Hereditary cancer-predisposing syndrome. Last evaluated: 2026-08-02. Review status: criteria provided, single submitter. Criteria: Ambry Variant Classification Scheme 2023. Collection method: clinical testing. Allele origin: germline.
Comment: The p.K28E variant (also known as c.82A>G), located in coding exon 2 of the MRE11A gene, results from an A to G substitution at nucleotide position 82. The lysine at codon 28 is replaced by glutamic acid, an amino acid with similar properties. This amino acid position is conserved. In addition, this alteration is predicted to be deleterious by in silico analysis. Based on the available evidence, the clinical significance of this variant remains unclear.